The following is an entry in ClinVar:

NM_001353345.2(SETD1B):c.5847_5866del (p.Asp1949fs)

Gene: SETD1B (SET domain containing 1B, histone lysine methyltransferase; plus strand). Cytogenetic location: 12q24.31.
Variant type: Deletion.
Coding change: c.5847_5866del on transcript NM_001353345.2 (MANE Select); coding-DNA positions 5847 to 5866, 20 bases deleted (CGTCAAGATCCCCTGCCTCT).
Protein change: p.Asp1949fs; shifts the reading frame from aspartic acid 1949.
Molecular consequence: frameshift variant.
Genome position (GRCh38, 1-based): chr12:121,830,185-121,830,204, CGTCAAGATCCCCTGCCTCT deleted. VCF-style (leftmost placement, unchanged base first): chr12-121830184-ACGTCAAGATCCCCTGCCTCT-A. GRCh37 (hg19) VCF-style: chr12-122268090-ACGTCAAGATCCCCTGCCTCT-A.
Other names: c.5847_5866del20 (NM_001353345.2); short protein forms D1949fs.
Identifiers: ClinVar variation 3233606 (VCV003233606.2), dbSNP rs2500260728, ClinGen allele CA2825002062.

ClinVar aggregate classification (germline): Uncertain significance (1 of 4 stars; one submission).

Submission:

Women's Health and Genetics/Laboratory Corporation of America, LabCorp
Classification: Uncertain significance. Last evaluated: 2024-03-07. Review status: criteria provided, single submitter. Criteria: LabCorp Variant Classification Summary - May 2015. Collection method: clinical testing. Allele origin: germline.
Comment: Variant summary: SETD1B c.5847_5866del20 (p.Asp1949GlufsX24) causes a frameshift which results in an extension of the protein. The variant was absent in 156474 control chromosomes. To our knowledge, no occurrence of c.5847_5866del20 in individuals affected with Intellectual Developmental Disorder With Seizures And Language Delay and no experimental evidence demonstrating its impact on protein function have been reported. No downstream extension variants have been reported in HGMD or ClinVar. No submitters have cited clinical-significance assessments for this variant to ClinVar. Based on the evidence outlined above, the variant was classified as VUS.